The following is an entry in ClinVar:

ClinVar aggregate classification (germline): Uncertain significance. Review status: criteria provided, multiple submitters, no conflicts (2 of 4 stars). 2 submissions from 2 submitters: Uncertain significance (2). Last evaluated 2024-07-20.

Conditions:
Cardiovascular phenotype. Identifiers: MedGen CN230736.
Noonan syndrome 9 (NS9). Identifiers: Orphanet 648, MedGen C4225282, MONDO:0014691, OMIM 616559.

Allele frequency attached by ClinVar (database versions not stated): gnomAD exomes below 0.00001.
gnomAD v4.1: 2 of 1,614,186 alleles (0.00012%); highest among the groups gnomAD compares: Non-Finnish European, 0.00017%; no homozygotes.

Submissions (2):

Labcorp Genetics (formerly Invitae), Labcorp
Classification: Uncertain significance for Noonan syndrome 9. Last evaluated: 2024-07-20. Review status: criteria provided, single submitter. Criteria: Invitae Variant Classification Sherloc (09022015). Collection method: clinical testing. Allele origin: germline.
Comment: This sequence change replaces lysine, which is basic and polar, with asparagine, which is neutral and polar, at codon 1065 of the SOS2 protein (p.Lys1065Asn). This variant is not present in population databases (gnomAD no frequency). This variant has not been reported in the literature in individuals affected with SOS2-related conditions. ClinVar contains an entry for this variant (Variation ID: 1390094). Advanced modeling of protein sequence and biophysical properties (such as structural, functional, and spatial information, amino acid conservation, physicochemical variation, residue mobility, and thermodynamic stability) performed at Invitae indicates that this missense variant is not expected to disrupt SOS2 protein function with a negative predictive value of 80%. In summary, the available evidence is currently insufficient to determine the role of this variant in disease. Therefore, it has been classified as a Variant of Uncertain Significance.

Ambry Genetics
Classification: Uncertain significance for Cardiovascular phenotype. Last evaluated: 2023-10-19. Review status: criteria provided, single submitter. Criteria: Ambry Variant Classification Scheme 2023. Collection method: clinical testing. Allele origin: germline.
Comment: The p.K1065N variant (also known as c.3195A>C), located in coding exon 20 of the SOS2 gene, results from an A to C substitution at nucleotide position 3195. The lysine at codon 1065 is replaced by asparagine, an amino acid with similar properties. This amino acid position is conserved. In addition, this alteration is predicted to be tolerated by in silico analysis. Since supporting evidence is limited at this time, the clinical significance of this alteration remains unclear.

NM_006939.4(SOS2):c.3195A>C (p.Lys1065Asn)

Gene: SOS2 (SOS Ras/Rho guanine nucleotide exchange factor 2; minus strand). Cytogenetic location: 14q21.3.
Variant type: single nucleotide variant.
Coding change: c.3195A>C on transcript NM_006939.4 (MANE Select); coding-DNA position 3195, A replaced by C.
Protein change: p.Lys1065Asn; replaces lysine 1065 with asparagine.
Molecular consequence: missense variant.
Genome position (GRCh38, 1-based): chr14:50,130,643, T>G on the plus strand (A>C on the coding strand, the complement: SOS2 is on the minus strand). VCF-style: chr14-50130643-T-G. GRCh37 (hg19) VCF-style: chr14-50597361-T-G.
Other names: c.3195A>C (NM_006939.2); short protein forms K1065N.
Identifiers: ClinVar variation 1390094 (VCV001390094.7), dbSNP rs2139512774, ClinGen allele CA389640778.